The following is an entry in ClinVar:

ClinVar aggregate classification (germline): Benign/Likely benign. Review status: criteria provided, multiple submitters, no conflicts (2 of 4 stars). 8 submissions from 8 submitters: Benign (1); Likely benign (5). 2 of the submissions do not count toward it. Last evaluated 2025-12-02.

Conditions:
Oto-palato-digital syndrome, type II (OPD2). Also called: FACIOPALATOOSSEOUS SYNDROME; OPD II SYNDROME; Otopalatodigital Syndrome Type 2 (FLNA-OPD2); Otopalatodigital Syndrome, Type II. Identifiers: Orphanet 669, Orphanet 90652, MedGen C1844696, MONDO:0010571, OMIM 304120.
Melnick-Needles syndrome (MNS). Also called: OSTEODYSPLASTY OF MELNICK AND NEEDLES; Melnick-Needles Syndrome (FLNA-MNS); MELNICK-NEEDLES OSTEODYSPLASTY. Identifiers: Orphanet 2484, MedGen C0025237, MONDO:0010650, OMIM 309350.
Frontometaphyseal dysplasia (FMD1). Identifiers: Orphanet 1826, MedGen C0265293, MONDO:0015942.
Heterotopia, periventricular, X-linked dominant (PVNH1). Also called: PERIVENTRICULAR NODULAR HETEROTOPIA 4; HETEROTOPIA, PERIVENTRICULAR, 1; PERIVENTRICULAR NODULAR HETEROTOPIA 1; X-linked periventricular heterotopia. Identifiers: Orphanet 2149, Orphanet 82004, MedGen C1848213, MONDO:0010233, OMIM 300049.
Familial thoracic aortic aneurysm and aortic dissection (TAAD). Also called: Thoracic aortic aneurysms and dissections. Identifiers: Orphanet 91387, MedGen C4707243, MONDO:0019625.

Allele frequency attached by ClinVar (database versions not stated): gnomAD 0.00005; TOPMed 0.00015; 1000 Genomes Project 30x 0.00021; 1000 Genomes Project 0.00026.
gnomAD v4.1: 184 of 1,209,444 alleles (0.015%); highest among the groups gnomAD compares: Middle Eastern, 0.023%; no homozygotes.

Submissions (8):

Labcorp Genetics (formerly Invitae), Labcorp
Classification: Benign for Oto-palato-digital syndrome, type II; Heterotopia, periventricular, X-linked dominant; Frontometaphyseal dysplasia; Melnick-Needles syndrome. Last evaluated: 2025-12-02. Review status: criteria provided, single submitter. Criteria: Invitae Variant Classification Sherloc (09022015). Collection method: clinical testing. Allele origin: germline.

CeGaT Center for Human Genetics Tuebingen
Classification: Likely benign. Last evaluated: 2025-06-01. Review status: criteria provided, single submitter. Criteria: CeGaT Center For Human Genetics Tuebingen Variant Classification Criteria Version 2. Collection method: clinical testing. Allele origin: germline. Affected: yes. Observed: 1 variant allele.
Comment: FLNA: BP4, BP7, BS2

Blueprint Genetics
Classification: Likely benign. Last evaluated: 2024-09-25. Review status: criteria provided, single submitter. Criteria: ACMG Guidelines, 2015. Collection method: clinical testing. Allele origin: germline.

GeneDx
Classification: Likely benign. Last evaluated: 2020-10-30. Review status: criteria provided, single submitter. Criteria: GeneDx Variant Classification Process June 2021. Collection method: clinical testing. Allele origin: germline. Affected: yes.

Ambry Genetics
Classification: Likely benign for Familial thoracic aortic aneurysm and aortic dissection. Last evaluated: 2016-01-15. Review status: criteria provided, single submitter. Criteria: Ambry Variant Classification Scheme 2023. Collection method: clinical testing. Allele origin: germline.

PreventionGenetics, part of Exact Sciences
Classification: Likely benign. Review status: criteria provided, single submitter. Criteria: ACMG Guidelines, 2015. Collection method: clinical testing. Allele origin: germline.

Clinical Genetics DNA and cytogenetics Diagnostics Lab, Erasmus MC, Erasmus Medical Center
Classification: Likely benign. Review status: no assertion criteria provided. Collection method: clinical testing. Allele origin: germline. Affected: yes. Study: VKGL Data-share Consensus. Not counted in ClinVar's aggregate classification.

Genome Diagnostics Laboratory, University Medical Center Utrecht
Classification: Likely benign. Review status: no assertion criteria provided. Collection method: clinical testing. Allele origin: germline. Affected: yes. Study: VKGL Data-share Consensus. Not counted in ClinVar's aggregate classification.

NM_001110556.2(FLNA):c.543G>A (p.Pro181=)

Gene: FLNA (filamin A; minus strand). Cytogenetic location: Xq28.
Variant type: single nucleotide variant.
Coding change: c.543G>A on transcript NM_001110556.2 (MANE Select); coding-DNA position 543, G replaced by A.
Protein change: p.Pro181=; no amino-acid change (proline 181 retained).
Molecular consequence: synonymous variant.
Genome position (GRCh38, 1-based): chrX:154,367,921, C>T on the plus strand (G>A on the coding strand, the complement: FLNA is on the minus strand). VCF-style: chrX-154367921-C-T. GRCh37 (hg19) VCF-style: chrX-153596289-C-T.
Other names: c.543G>A, p.Pro181= (NM_001456.4).
Identifiers: ClinVar variation 257473 (VCV000257473.31), dbSNP rs201486643, ClinGen allele CA10561404.